The following is an entry in ClinVar:

NM_004990.4(MARS1):c.2280G>A (p.Met760Ile)

Gene: MARS1 (methionyl-tRNA synthetase 1; plus strand). Cytogenetic location: 12q13.3.
Variant type: single nucleotide variant.
Coding change: c.2280G>A on transcript NM_004990.4 (MANE Select); coding-DNA position 2280, G replaced by A.
Protein change: p.Met760Ile; replaces methionine 760 with isoleucine.
Molecular consequence: missense variant.
Genome position (GRCh38, 1-based): chr12:57,515,225, G>A. VCF-style: chr12-57515225-G-A. GRCh37 (hg19) VCF-style: chr12-57909008-G-A.
Other names: short protein forms M760I.
Identifiers: ClinVar variation 646980 (VCV000646980.8), dbSNP rs1594836361, ClinGen allele CA385466373.
Genomic context (GRCh38, chr12:57,515,225, plus strand): 5'-AGTGACTGGCTTGGCAGTGAATATAGCTGCCTTGCTCTCTGTCATGCTTCAGCCTTACAT[G>A]CCCACGGTTAGTGCCACAATCCAGGCCCAGCTGCAGCTCCCACCTCCAGCCTGCAGTATC-3'
Protein context (NP_004981.2, residues 750-770): ALLSVMLQPY[Met760Ile]PTVSATIQAQ

ClinVar aggregate classification (germline): Uncertain significance (1 of 4 stars; one submission).

Conditions:
Charcot-Marie-Tooth disease axonal type 2U. Also called: CHARCOT-MARIE-TOOTH NEUROPATHY, TYPE 2U; CHARCOT-MARIE-TOOTH DISEASE, AXONAL, AUTOSOMAL DOMINANT, TYPE 2U. Identifiers: Orphanet 397735, MedGen C4084821, MONDO:0014566, OMIM 616280.
Severe early-onset pulmonary alveolar proteinosis due to MARS deficiency. Also called: PULMONARY ALVEOLAR PROTEINOSIS, REUNION ISLAND; Interstitial lung and liver disease. Identifiers: Orphanet 440427, MedGen C4225400, MONDO:0014206, OMIM 615486.

Allele frequency attached by ClinVar (database versions not stated): gnomAD exomes below 0.00001.
gnomAD v4.1: 2 of 1,614,082 alleles (0.00012%); highest among the groups gnomAD compares: Non-Finnish European, 0.000085%; no homozygotes.

Submission:

Labcorp Genetics (formerly Invitae), Labcorp
Classification: Uncertain significance for Charcot-Marie-Tooth disease axonal type 2U; Severe early-onset pulmonary alveolar proteinosis due to MARS deficiency. Last evaluated: 2018-11-20. Review status: criteria provided, single submitter. Criteria: Invitae Variant Classification Sherloc (09022015). Collection method: clinical testing. Allele origin: germline.
Comment: In summary, the available evidence is currently insufficient to determine the role of this variant in disease. Therefore, it has been classified as a Variant of Uncertain Significance. This variant has not been reported in the literature in individuals with MARS-related disease. Algorithms developed to predict the effect of missense changes on protein structure and function are either unavailable or do not agree on the potential impact of this missense change (SIFT: "Deleterious"; PolyPhen-2: "Possibly Damaging"; Align-GVGD: "Class C0"). This variant is not present in population databases (ExAC no frequency). This sequence change replaces methionine with isoleucine at codon 760 of the MARS protein (p.Met760Ile). The methionine residue is highly conserved and there is a small physicochemical difference between methionine and isoleucine.